The following is an entry in ClinVar:

NM_006231.4(POLE):c.6451T>A (p.Tyr2151Asn)

Gene: POLE (DNA polymerase epsilon, catalytic subunit; minus strand). Cytogenetic location: 12q24.33.
Variant type: single nucleotide variant.
Coding change: c.6451T>A on transcript NM_006231.4 (MANE Select); coding-DNA position 6451, T replaced by A.
Protein change: p.Tyr2151Asn; replaces tyrosine 2151 with asparagine.
Molecular consequence: missense variant.
Genome position (GRCh38, 1-based): chr12:132,626,197, A>T on the plus strand (T>A on the coding strand, the complement: POLE is on the minus strand). VCF-style: chr12-132626197-A-T. GRCh37 (hg19) VCF-style: chr12-133202783-A-T.
Other names: short protein forms Y2151N.
Identifiers: ClinVar variation 579597 (VCV000579597.13), dbSNP rs1004476069, ClinGen allele CA246286748.

ClinVar aggregate classification (germline): Uncertain significance. Review status: criteria provided, multiple submitters, no conflicts (2 of 4 stars). 3 submissions from 3 submitters: Uncertain significance (3). Last evaluated 2026-01-27.

Conditions:
Hereditary cancer-predisposing syndrome. Also called: Neoplastic Syndromes, Hereditary; Tumor predisposition; Hereditary neoplastic syndrome; Hereditary Cancer Syndrome. Identifiers: Orphanet 140162, MedGen C0027672, MeSH D009386, MONDO:0015356.

Allele frequency attached by ClinVar (database versions not stated): gnomAD exomes below 0.00001 and 0.00001; gnomAD 0.00001; TOPMed 0.00002.
gnomAD v4.1: 17 of 1,613,642 alleles (0.0011%); highest among the groups gnomAD compares: Non-Finnish European, 0.0014%; no homozygotes.

Submissions (3):

Labcorp Genetics (formerly Invitae), Labcorp
Classification: Uncertain significance. Last evaluated: 2026-01-27. Review status: criteria provided, single submitter. Criteria: Invitae Variant Classification Sherloc (09022015). Collection method: clinical testing. Allele origin: germline.
Comment: This sequence change replaces tyrosine, which is neutral and polar, with asparagine, which is neutral and polar, at codon 2151 of the POLE protein (p.Tyr2151Asn). This variant is present in population databases (no rsID available, gnomAD 0.0009%). This variant has not been reported in the literature in individuals affected with POLE-related conditions. ClinVar contains an entry for this variant (Variation ID: 579597). Invitae Evidence Modeling of protein sequence and biophysical properties (such as structural, functional, and spatial information, amino acid conservation, physicochemical variation, residue mobility, and thermodynamic stability) has been performed for this missense variant. However, the output from this modeling did not meet the statistical confidence thresholds required to predict the impact of this variant on POLE protein function. In summary, the available evidence is currently insufficient to determine the role of this variant in disease. Therefore, it has been classified as a Variant of Uncertain Significance.

Ambry Genetics
Classification: Uncertain significance for Hereditary cancer-predisposing syndrome. Last evaluated: 2025-05-06. Review status: criteria provided, single submitter. Criteria: Ambry Variant Classification Scheme 2023. Collection method: clinical testing. Allele origin: germline.
Comment: The p.Y2151N variant (also known as c.6451T>A), located in coding exon 46 of the POLE gene, results from a T to A substitution at nucleotide position 6451. The tyrosine at codon 2151 is replaced by asparagine, an amino acid with dissimilar properties. This amino acid position is conserved. In addition, this alteration is predicted to be tolerated by in silico analysis. Based on the available evidence, the clinical significance of this variant remains unclear.

GeneDx
Classification: Uncertain significance. Last evaluated: 2023-10-16. Review status: criteria provided, single submitter. Criteria: GeneDx Variant Classification Process June 2021. Collection method: clinical testing. Allele origin: germline. Affected: yes.
Comment: Not observed at significant frequency in large population cohorts (gnomAD); In silico analysis supports that this missense variant has a deleterious effect on protein structure/function; Has not been previously published as pathogenic or benign to our knowledge; This variant is associated with the following publications: (PMID: 19296856)